The following is an entry in ClinVar:

ClinVar aggregate classification (germline): Likely benign (1 of 4 stars; one submission).

Conditions:
FGFR3-related disorder. Also called: FGFR3-related disorders.

Submission:

PreventionGenetics, part of Exact Sciences
Classification: Likely benign for FGFR3-related condition. Last evaluated: 2025-02-26. Review status: criteria provided, single submitter. Criteria: ACMG Guidelines, 2015. Collection method: clinical testing. Allele origin: germline.
Comment: This variant is classified as likely benign based on ACMG/AMP sequence variant interpretation guidelines (Richards et al. 2015 PMID: 25741868, with internal and published modifications).

NM_000142.5(FGFR3):c.931-722G>A

Gene: FGFR3 (fibroblast growth factor receptor 3; plus strand). Cytogenetic location: 4p16.3.
Variant type: single nucleotide variant.
Coding change: c.931-722G>A on transcript NM_000142.5 (MANE Select); 722 bases into the intron before coding-DNA position 931, G replaced by A.
Molecular consequence: intron variant. On other transcripts: synonymous variant (1), non-coding transcript variant (1).
Genome position (GRCh38, 1-based): chr4:1,802,970, G>A. VCF-style: chr4-1802970-G-A. GRCh37 (hg19) VCF-style: chr4-1804697-G-A.
Other names: c.987G>A, p.Ser329= (NM_001163213.2); c.931-722G>A (NM_001354809.2, NM_001354810.2); c.930+945G>A (NM_022965.4).
Identifiers: ClinVar variation 4986577 (VCV004986577.1).